The following is an entry in ClinVar:

ClinVar aggregate classification (germline): Uncertain significance (1 of 4 stars; one submission).

Submission:

Labcorp Genetics (formerly Invitae), Labcorp
Classification: Uncertain significance. Last evaluated: 2022-02-18. Review status: criteria provided, single submitter. Criteria: Invitae Variant Classification Sherloc (09022015). Collection method: clinical testing. Allele origin: germline.
Comment: In summary, the available evidence is currently insufficient to determine the role of this variant in disease. Therefore, it has been classified as a Variant of Uncertain Significance. Algorithms developed to predict the effect of missense changes on protein structure and function (SIFT, PolyPhen-2, Align-GVGD) all suggest that this variant is likely to be tolerated. This variant has not been reported in the literature in individuals affected with PLK4-related conditions. This variant is not present in population databases (gnomAD no frequency). This sequence change replaces glutamine, which is neutral and polar, with arginine, which is basic and polar, at codon 316 of the PLK4 protein (p.Gln316Arg).

NM_014264.5(PLK4):c.947A>G (p.Gln316Arg)

Gene: PLK4 (polo like kinase 4; plus strand). Cytogenetic location: 4q28.1.
Variant type: single nucleotide variant.
Coding change: c.947A>G on transcript NM_014264.5 (MANE Select); coding-DNA position 947, A replaced by G.
Protein change: p.Gln316Arg; replaces glutamine 316 with arginine.
Molecular consequence: missense variant.
Genome position (GRCh38, 1-based): chr4:127,886,317, A>G. VCF-style: chr4-127886317-A-G. GRCh37 (hg19) VCF-style: chr4-128807472-A-G.
Other names: c.851A>G, p.Gln284Arg (NM_001190799.2); c.824A>G, p.Gln275Arg (NM_001190801.2); short protein forms Q275R, Q316R, Q284R.
Identifiers: ClinVar variation 2099005 (VCV002099005.4), dbSNP rs2546013291, ClinGen allele CA358151659.
Genomic context (GRCh38, chr4:127,886,317, plus strand): 5'-CTTCTTCCAGTACCAGTATAAGTGGTAGTTTATTTGACAAAAGAAGACTTTTGATTGGTC[A>G]GCCACTCCCAAATAAAATGACTGTATTTCCAAAGAATAAAAGTTCAACTGATTTTTCTTC-3'
Protein context (NP_055079.3, residues 306-326): LFDKRRLLIG[Gln316Arg]PLPNKMTVFP